The following is an entry in ClinVar:

NM_000059.4(BRCA2):c.3068del (p.Asn1023fs)

Gene: BRCA2 (BRCA2 DNA repair associated; plus strand). Cytogenetic location: 13q13.1.
Variant type: Deletion.
Coding change: c.3068del on transcript NM_000059.4 (MANE Select); coding-DNA position 3068, one base deleted (A; older notation c.3068delA).
Protein change: p.Asn1023fs; shifts the reading frame from asparagine 1023.
Molecular consequence: frameshift variant.
Genome position (GRCh38, 1-based): chr13:32,337,423, A deleted; the last of 2 consecutive A bases (chr13:32,337,422-32,337,423); deleting either gives the same sequence. VCF-style (leftmost placement, unchanged base first): chr13-32337421-TA-T. GRCh37 (hg19) VCF-style: chr13-32911558-TA-T.
Other names: 3296delA; c.3068delA (NM_000059.3).
Identifiers: ClinVar variation 266734 (VCV000266734.15), dbSNP rs80359368, ClinGen allele CA10589186.

ClinVar aggregate classification (germline): Pathogenic. Review status: reviewed by expert panel (3 of 4 stars). 5 submissions from 5 submitters: Pathogenic (1). 4 of the submissions do not count toward it. Last evaluated 2016-10-18.

Conditions:
Hereditary breast ovarian cancer syndrome. Also called: Hereditary breast and ovarian cancer; Hereditary breast and ovarian cancer syndrome (HBOC); Hereditary breast and/or ovarian cancer syndrome; Breast and ovarian cancer; Hereditary breast and ovarian cancer syndrome; BRCA1- and BRCA2-Associated Hereditary Breast and Ovarian Cancer. Identifiers: Orphanet 145, MedGen C0677776, MeSH D061325, MONDO:0003582. Disease mechanism: loss of function.
Hereditary cancer-predisposing syndrome. Also called: Tumor predisposition; Neoplastic Syndromes, Hereditary; Hereditary neoplastic syndrome; Hereditary Cancer Syndrome. Identifiers: Orphanet 140162, MedGen C0027672, MeSH D009386, MONDO:0015356.
Breast-ovarian cancer, familial, susceptibility to, 2 (BROVCA2). Also called: BRCA2 Hereditary Breast and Ovarian Cancer. Identifiers: Orphanet 145, MedGen C2675520, MONDO:0012933, OMIM 612555. Disease mechanism: loss of function.

Submissions (5):

Evidence-based Network for the Interpretation of Germline Mutant Alleles (ENIGMA)
Classification: Pathogenic for Breast-ovarian cancer, familial, susceptibility to, 2. Last evaluated: 2016-10-18. Review status: reviewed by expert panel. Criteria: ENIGMA BRCA1/2 Classification Criteria (2015). Collection method: curation. Allele origin: germline.
Comment: Variant allele predicted to encode a truncated non-functional protein.

Labcorp Genetics (formerly Invitae), Labcorp
Classification: Pathogenic for Hereditary breast ovarian cancer syndrome. Last evaluated: 2023-03-17. Review status: criteria provided, single submitter. Criteria: Invitae Variant Classification Sherloc (09022015). Collection method: clinical testing. Allele origin: germline. Not counted in ClinVar's aggregate classification.
Comment: This premature translational stop signal has been observed in individual(s) with personal and/or family history of breast and/or ovarian cancer (PMID: 31771539). ClinVar contains an entry for this variant (Variation ID: 266734). For these reasons, this variant has been classified as Pathogenic. This variant is not present in population databases (gnomAD no frequency). This sequence change creates a premature translational stop signal (p.Asn1023Thrfs*20) in the BRCA2 gene. It is expected to result in an absent or disrupted protein product. Loss-of-function variants in BRCA2 are known to be pathogenic (PMID: 20104584).

GeneDx
Classification: Pathogenic. Last evaluated: 2022-05-20. Review status: criteria provided, single submitter. Criteria: GeneDx Variant Classification Process June 2021. Collection method: clinical testing. Allele origin: germline. Affected: yes. Not counted in ClinVar's aggregate classification.
Comment: Frameshift variant predicted to result in protein truncation or nonsense mediated decay in a gene for which loss of function is a known mechanism of disease; Not observed at significant frequency in large population cohorts (gnomAD); Truncating variants in this gene are considered pathogenic by a well-established clinical consortium and/or database; Also known as 3296del; Observed in individuals with a personal or family history of breast cancer (Ruiz de Sabando 2019); This variant is associated with the following publications: (PMID: 31771539)

Ambry Genetics
Classification: Pathogenic for Hereditary cancer-predisposing syndrome. Last evaluated: 2016-06-22. Review status: criteria provided, single submitter. Criteria: Ambry Variant Classification Scheme 2023. Collection method: clinical testing. Allele origin: germline. Not counted in ClinVar's aggregate classification.
Comment: The c.3068delA pathogenic mutation, located in coding exon 10 of the BRCA2 gene, results from a deletion of one nucleotide at nucleotide position 3068, causing a translational frameshift with a predicted alternate stop codon. Since frameshifts are typically deleterious in nature, this alteration is interpreted as a disease-causing mutation (ACMG Recommendations for Standards for Interpretation and Reporting of Sequence Variations. Revision 2007. Genet Med. 2008;10:294).

Consortium of Investigators of Modifiers of BRCA1/2 (CIMBA), c/o University of Cambridge
Classification: Pathogenic for Breast-ovarian cancer, familial, susceptibility to, 2. Last evaluated: 2015-10-02. Review status: criteria provided, single submitter. Criteria: CIMBA Mutation Classification guidelines May 2016. Collection method: clinical testing. Allele origin: germline. Not counted in ClinVar's aggregate classification.

Literature cited by the submitters: PubMed 31771539 (cited by Labcorp Genetics (formerly Invitae), Labcorp); PubMed 20104584 (cited by Labcorp Genetics (formerly Invitae), Labcorp).